The following is an entry in ClinVar:

NM_022089.4(ATP13A2):c.2638G>A (p.Ala880Thr)

Gene: ATP13A2 (ATPase cation transporting 13A2; minus strand). Cytogenetic location: 1p36.13.
Variant type: single nucleotide variant.
Coding change: c.2638G>A on transcript NM_022089.4 (MANE Select); coding-DNA position 2638, G replaced by A.
Protein change: p.Ala880Thr; replaces alanine 880 with threonine.
Molecular consequence: missense variant.
Genome position (GRCh38, 1-based): chr1:16,988,446, C>T on the plus strand (G>A on the coding strand, the complement: ATP13A2 is on the minus strand). VCF-style: chr1-16988446-C-T. GRCh37 (hg19) VCF-style: chr1-17314941-C-T.
Other names: c.2623G>A, p.Ala875Thr (NM_001141973.3); c.2506G>A, p.Ala836Thr (NM_001141974.3); short protein forms A836T, A875T, A880T.
Identifiers: ClinVar variation 2570715 (VCV002570715.27), dbSNP rs2522939740, ClinGen allele CA338238865.

ClinVar aggregate classification (germline): Uncertain significance (1 of 4 stars; one submission).

Allele frequency attached by ClinVar (database versions not stated): gnomAD exomes 0.00001.
gnomAD v4.1: 7 of 1,613,938 alleles (0.00043%); highest among the groups gnomAD compares: African/African-American, 0.0013%; no homozygotes.

Submission:

CeGaT Center for Human Genetics Tuebingen
Classification: Uncertain significance. Last evaluated: 2023-10-01. Review status: criteria provided, single submitter. Criteria: CeGaT Center For Human Genetics Tuebingen Variant Classification Criteria Version 2. Collection method: clinical testing. Allele origin: germline. Affected: yes. Observed: 2 variant alleles.
Comment: ATP13A2: PM2, PM3:Supporting